The following is an entry in ClinVar:

NM_015341.5(NCAPH):c.2091-4C>G

Gene: NCAPH (non-SMC condensin I complex subunit H; plus strand). Cytogenetic location: 2q11.2.
Variant type: single nucleotide variant.
Coding change: c.2091-4C>G on transcript NM_015341.5 (MANE Select); 4 bases into the intron before coding-DNA position 2091, C replaced by G.
Molecular consequence: intron variant.
Genome position (GRCh38, 1-based): chr2:96,369,421, C>G. VCF-style: chr2-96369421-C-G. GRCh37 (hg19) VCF-style: chr2-97035159-C-G.
Other names: c.2058-4C>G (NM_001281710.2); c.2019-4C>G (NM_001281711.2); c.1683-4C>G (NM_001281712.2).
Identifiers: ClinVar variation 3056611 (VCV003056611.2), dbSNP rs150427787, ClinGen allele CA1780308.

ClinVar aggregate classification (germline): Benign (0 of 4 stars; one submission).

Conditions:
NCAPH-related disorder. Also called: NCAPH-related condition.

Allele frequency attached by ClinVar (database versions not stated): ESP Exome Variant Server 0.00123; gnomAD exomes 0.00598; gnomAD 0.01162; ExAC 0.02025; TOPMed 0.02274; 1000 Genomes Project 0.02376; 1000 Genomes Project 30x 0.02561.
gnomAD v4.1: 10,530 of 1,613,944 alleles (0.65%); highest among the groups gnomAD compares: Admixed American, 15%; 884 homozygotes.

Submission:

PreventionGenetics, part of Exact Sciences
Classification: Benign for NCAPH-related condition. Last evaluated: 2019-05-23. Review status: no assertion criteria provided. Collection method: clinical testing. Allele origin: germline.
Comment: This variant is classified as benign based on ACMG/AMP sequence variant interpretation guidelines (Richards et al. 2015 PMID: 25741868, with internal and published modifications).